The following is an entry in ClinVar:

NM_004560.4(ROR2):c.1307C>T (p.Ala436Val)

Gene: ROR2 (receptor tyrosine kinase like orphan receptor 2; minus strand). Cytogenetic location: 9q22.31.
Variant type: single nucleotide variant.
Coding change: c.1307C>T on transcript NM_004560.4 (MANE Select); coding-DNA position 1307, C replaced by T.
Protein change: p.Ala436Val; replaces alanine 436 with valine.
Molecular consequence: missense variant.
Genome position (GRCh38, 1-based): chr9:91,726,620, G>A on the plus strand (C>T on the coding strand, the complement: ROR2 is on the minus strand). VCF-style: chr9-91726620-G-A. GRCh37 (hg19) VCF-style: chr9-94488902-G-A.
Other names: c.1273C>T, p.Arg425Cys (NM_001318204.2); short protein forms A436V, R425C.
Identifiers: ClinVar variation 367507 (VCV000367507.15), dbSNP rs149842671, ClinGen allele CA5120732.

ClinVar aggregate classification (germline): Conflicting classifications of pathogenicity. Review status: criteria provided, conflicting classifications (1 of 4 stars). 5 submissions from 4 submitters: Uncertain significance (3); Benign (1); Likely benign (1). Last evaluated 2025-08-10.

Conditions:
Inborn genetic diseases. Identifiers: MedGen C0950123, MeSH D030342.
Autosomal recessive Robinow syndrome (RRS1). Also called: ROBINOW SYNDROME, AUTOSOMAL RECESSIVE 1; COSTOVERTEBRAL SEGMENTATION DEFECT WITH MESOMELIA; COVESDEM SYNDROME; ROR2-Related Robinow Syndrome. Identifiers: Orphanet 1507, Orphanet 97360, MedGen C5399974, MONDO:0009999, OMIM 268310.
Brachydactyly type B1 (BDB1). Identifiers: Orphanet 572385, Orphanet 93383, MedGen C1862112, MONDO:0007220, OMIM 113000.

Allele frequency attached by ClinVar (database versions not stated): ESP Exome Variant Server 0.00008; TOPMed 0.00010; gnomAD 0.00011 and 0.00012; gnomAD exomes 0.00012 and 0.00013; ExAC 0.00016.
gnomAD v4.1: 207 of 1,613,840 alleles (0.013%); highest among the groups gnomAD compares: East Asian, 0.3%; no homozygotes.

Submissions (5):

Ambry Genetics
Classification: Uncertain significance for Inborn genetic diseases. Last evaluated: 2025-08-10. Review status: criteria provided, single submitter. Criteria: Ambry Variant Classification Scheme 2023. Collection method: clinical testing. Allele origin: germline.

Labcorp Genetics (formerly Invitae), Labcorp
Classification: Likely benign. Last evaluated: 2024-08-14. Review status: criteria provided, single submitter. Criteria: Invitae Variant Classification Sherloc (09022015). Collection method: clinical testing. Allele origin: germline.

Fulgent Genetics
Classification: Uncertain significance for Brachydactyly type B1; Autosomal recessive Robinow syndrome. Last evaluated: 2024-05-01. Review status: criteria provided, single submitter. Criteria: ACMG Guidelines, 2015. Collection method: clinical testing. Allele origin: germline.

Illumina Laboratory Services, Illumina
Classification: Benign for Brachydactyly type B1. Last evaluated: 2018-01-12. Review status: criteria provided, single submitter. Criteria: ICSL Variant Classification Criteria 13 December 2019. Collection method: clinical testing. Allele origin: germline.
Comment: This variant was observed in the ICSL laboratory as part of a predisposition screen in an ostensibly healthy population. It had not been previously curated by ICSL or reported in the Human Gene Mutation Database (HGMD: prior to June 1st, 2018), and was therefore a candidate for classification through an automated scoring system. Utilizing variant allele frequency, disease prevalence and penetrance estimates, and inheritance mode, an automated score was calculated to assess if this variant is too frequent to cause the disease. Based on the score and internal cut-off values, a variant classified as benign is not then subjected to further curation. The score for this variant resulted in a classification of benign for this disease.

Illumina Laboratory Services, Illumina
Classification: Uncertain significance for Autosomal recessive Robinow syndrome. Last evaluated: 2018-01-12. Review status: criteria provided, single submitter. Criteria: ICSL Variant Classification Criteria 13 December 2019. Collection method: clinical testing. Allele origin: germline.